The following is an entry in ClinVar:

NM_015488.5(PNKD):c.55C>G (p.Arg19Gly)

Genes: PNKD (PNKD metallo-beta-lactamase domain containing; plus strand), LOC129935594 (ATAC-STARR-seq lymphoblastoid active region 17117; plus strand). Cytogenetic location: 2q35.
Variant type: single nucleotide variant.
Coding change: c.55C>G on transcript NM_015488.5 (MANE Select); coding-DNA position 55, C replaced by G.
Protein change: p.Arg19Gly; replaces arginine 19 with glycine.
Molecular consequence: missense variant.
Genome position (GRCh38, 1-based): chr2:218,270,590, C>G. VCF-style: chr2-218270590-C-G. GRCh37 (hg19) VCF-style: chr2-219135313-C-G.
Other names: c.55C>G, p.Arg19Gly (NM_001077399.3); short protein forms R19G.
Identifiers: ClinVar variation 1015237 (VCV001015237.11), dbSNP rs1690790863, ClinGen allele CA350543700.

ClinVar aggregate classification (germline): Uncertain significance (1 of 4 stars; one submission).

Conditions:
Paroxysmal nonkinesigenic dyskinesia. Also called: Paroxysmal non-kinesigenic dyskinesia. Identifiers: Orphanet 98810, MedGen C1869117, MONDO:0700088.

gnomAD v4.1: 1 of 1,093,408 alleles (0.000091%); highest among the groups gnomAD compares: Non-Finnish European, 0.00012%; no homozygotes.

Submission:

Labcorp Genetics (formerly Invitae), Labcorp
Classification: Uncertain significance for Paroxysmal nonkinesigenic dyskinesia. Last evaluated: 2022-07-12. Review status: criteria provided, single submitter. Criteria: Invitae Variant Classification Sherloc (09022015). Collection method: clinical testing. Allele origin: germline.
Comment: This sequence change replaces arginine, which is basic and polar, with glycine, which is neutral and non-polar, at codon 19 of the PNKD protein (p.Arg19Gly). This variant is not present in population databases (gnomAD no frequency). This variant has not been reported in the literature in individuals affected with PNKD-related conditions. ClinVar contains an entry for this variant (Variation ID: 1015237). Algorithms developed to predict the effect of missense changes on protein structure and function are either unavailable or do not agree on the potential impact of this missense change (SIFT: "Deleterious"; PolyPhen-2: "Benign"; Align-GVGD: "Class C0"). In summary, the available evidence is currently insufficient to determine the role of this variant in disease. Therefore, it has been classified as a Variant of Uncertain Significance.